The following is an entry in ClinVar:

NM_133433.4(NIPBL):c.-79-23A>G

Gene: NIPBL (NIPBL cohesin loading factor; plus strand). Cytogenetic location: 5p13.2.
Variant type: single nucleotide variant.
Coding change: c.-79-23A>G on transcript NM_133433.4 (MANE Select); 23 bases into the intron before 79 bases upstream of the start codon, A replaced by G.
Molecular consequence: intron variant.
Genome position (GRCh38, 1-based): chr5:36,953,595, A>G. VCF-style: chr5-36953595-A-G. GRCh37 (hg19) VCF-style: chr5-36953697-A-G.
Other names: c.-79-23A>G (NM_001438586.1, NM_015384.5).
Identifiers: ClinVar variation 4872127 (VCV004872127.2).

ClinVar aggregate classification (germline): Likely benign (1 of 4 stars; one submission).

gnomAD v4.1: 332 of 913,278 alleles (0.036%); highest among the groups gnomAD compares: Admixed American, 0.13%; no homozygotes.

Submission:

CeGaT Center for Human Genetics Tuebingen
Classification: Likely benign. Last evaluated: 2026-07-01. Review status: criteria provided, single submitter. Criteria: CeGaT Center For Human Genetics Tuebingen Variant Classification Criteria Version 2. Collection method: clinical testing. Allele origin: germline. Affected: yes. Observed: 3 variant alleles.
Comment: NIPBL: BS1